The following is an entry in ClinVar:

NM_000548.5(TSC2):c.4793A>G (p.Asp1598Gly)

Gene: TSC2 (TSC complex subunit 2; plus strand). Cytogenetic location: 16p13.3.
Variant type: single nucleotide variant.
Coding change: c.4793A>G on transcript NM_000548.5 (MANE Select); coding-DNA position 4793, A replaced by G.
Protein change: p.Asp1598Gly; replaces aspartic acid 1598 with glycine.
Molecular consequence: missense variant. On other transcripts: non-coding transcript variant (5).
Genome position (GRCh38, 1-based): chr16:2,086,323, A>G. VCF-style: chr16-2086323-A-G. GRCh37 (hg19) VCF-style: chr16-2136324-A-G.
Other names: c.4592A>G, p.Asp1531Gly (NM_001077183.3); c.4724A>G, p.Asp1575Gly (NM_001114382.3); c.4484A>G, p.Asp1495Gly (NM_001318827.2); c.4448A>G, p.Asp1483Gly (NM_001318829.2); c.4061A>G, p.Asp1354Gly (NM_001318831.2); c.4625A>G, p.Asp1542Gly (NM_001318832.2); c.4595A>G, p.Asp1532Gly (NM_001363528.2); c.4661A>G, p.Asp1554Gly (NM_001370404.1); and 26 more; short protein forms D1083G, D1084G, D1106G, D1107G, D1127G, D1331G, D1332G, D1354G.
Identifiers: ClinVar variation 3367832 (VCV003367832.1).
Genomic context (GRCh38, chr16:2,086,323, plus strand): 5'-TGGGCCGGCTCATCGAGCTGAAGGACTGCCAGCCGGACAAGGTGTACCTGGGAGGCCTGG[A>G]CGTGTGTGGTGAGGACGGCCAGTTCACCTACTGCTGGCACGATGACATCATGCAAGGTAC-3'
Protein context (NP_000539.2, residues 1588-1608): QPDKVYLGGL[Asp1598Gly]VCGEDGQFTY

ClinVar aggregate classification (germline): Uncertain significance (1 of 4 stars; one submission).

Submission:

GeneDx
Classification: Uncertain significance. Last evaluated: 2024-01-17. Review status: criteria provided, single submitter. Criteria: GeneDx Variant Classification Process June 2021. Collection method: clinical testing. Allele origin: germline. Affected: yes.
Comment: Not observed at significant frequency in large population cohorts (gnomAD); In silico analysis supports that this missense variant has a deleterious effect on protein structure/function; Has not been previously published as pathogenic or benign to our knowledge; This variant is associated with the following publications: (PMID: 18466115)